The following is an entry in ClinVar:

NM_001039213.4(CEACAM16):c.-8G>A

Genes: CEACAM16 (CEA cell adhesion molecule 16, tectorial membrane component; plus strand), CEACAM16-AS1 (CEACAM16, CEACAM19 and PVR antisense RNA 1; minus strand). Cytogenetic location: 19q13.32.
Variant type: single nucleotide variant.
Coding change: c.-8G>A on transcript NM_001039213.4 (MANE Select); 8 bases upstream of the start codon, G replaced by A.
Molecular consequence: 5 prime UTR variant.
Genome position (GRCh38, 1-based): chr19:44,701,449, G>A. VCF-style: chr19-44701449-G-A. GRCh37 (hg19) VCF-style: chr19-45204719-G-A.
Identifiers: ClinVar variation 1034400 (VCV001034400.1), dbSNP rs1355072516, ClinGen allele CA633303304.

ClinVar aggregate classification (germline): Uncertain significance (1 of 4 stars; one submission).

Conditions:
Autosomal dominant nonsyndromic hearing loss 4B. Identifiers: Orphanet 90635, MedGen C3281297, MONDO:0013823, OMIM 614614.

Allele frequency attached by ClinVar (database versions not stated): gnomAD exomes below 0.00001.
gnomAD v4.1: 2 of 1,562,562 alleles (0.00013%); highest among the groups gnomAD compares: Non-Finnish European, 0.00017%; no homozygotes.

Submission:

Baylor Genetics
Classification: Uncertain significance for Autosomal dominant nonsyndromic hearing loss 4B. Last evaluated: 2018-11-02. Review status: criteria provided, single submitter. Criteria: ACMG Guidelines, 2015. Collection method: clinical testing. Allele origin: maternal. Affected: yes.
Comment: This variant was determined to be of uncertain significance according to ACMG Guidelines, 2015 [PMID:25741868].